The following is an entry in ClinVar:

NM_001164508.2(NEB):c.23752A>G (p.Lys7918Glu)

Genes: NEB (nebulin; minus strand), RIF1 (replication timing regulatory factor 1; plus strand). Cytogenetic location: 2q23.3.
Variant type: single nucleotide variant.
Coding change: c.23752A>G on transcript NM_001164508.2 (MANE Select); coding-DNA position 23752, A replaced by G.
Protein change: p.Lys7918Glu; replaces lysine 7918 with glutamic acid.
Molecular consequence: missense variant.
Genome position (GRCh38, 1-based): chr2:151,503,432, T>C on the plus strand (A>G on the coding strand, the complement: NEB is on the minus strand). VCF-style: chr2-151503432-T-C. GRCh37 (hg19) VCF-style: chr2-152359946-T-C.
Other names: c.23752A>G, p.Lys7918Glu (NM_001164507.2); c.23857A>G, p.Lys7953Glu (NM_001271208.2); c.18649A>G, p.Lys6217Glu (NM_004543.5); short protein forms K7918E, K6217E, K7953E.
Identifiers: ClinVar variation 1346732 (VCV001346732.6), dbSNP rs758478063, ClinGen allele CA1906251.

ClinVar aggregate classification (germline): Uncertain significance (1 of 4 stars; one submission).

Conditions:
Nemaline myopathy 2 (NEM2). Also called: Nemaline myopathy 2, autosomal recessive. Identifiers: MedGen C1850569, MONDO:0009725, OMIM 256030.

Allele frequency attached by ClinVar (database versions not stated): gnomAD exomes below 0.00001; ExAC 0.00001.
gnomAD v4.1: 5 of 1,606,748 alleles (0.00031%); highest among the groups gnomAD compares: Non-Finnish European, 0.00034%; no homozygotes.

Submission:

Labcorp Genetics (formerly Invitae), Labcorp
Classification: Uncertain significance for Nemaline myopathy 2. Last evaluated: 2022-07-05. Review status: criteria provided, single submitter. Criteria: Invitae Variant Classification Sherloc (09022015). Collection method: clinical testing. Allele origin: germline.
Comment: This variant has not been reported in the literature in individuals affected with NEB-related conditions. In summary, the available evidence is currently insufficient to determine the role of this variant in disease. Therefore, it has been classified as a Variant of Uncertain Significance. Algorithms developed to predict the effect of missense changes on protein structure and function are either unavailable or do not agree on the potential impact of this missense change (SIFT: "Deleterious"; PolyPhen-2: "Not Available"; Align-GVGD: "Class C0"). ClinVar contains an entry for this variant (Variation ID: 1346732). This variant is present in population databases (rs758478063, gnomAD 0.0009%). This sequence change replaces lysine, which is basic and polar, with glutamic acid, which is acidic and polar, at codon 7953 of the NEB protein (p.Lys7953Glu).